The following is an entry in ClinVar:

NM_024105.4(ALG12):c.204C>G (p.Phe68Leu)

Gene: ALG12 (ALG12 alpha-1,6-mannosyltransferase; minus strand). Cytogenetic location: 22q13.33.
Variant type: single nucleotide variant.
Coding change: c.204C>G on transcript NM_024105.4 (MANE Select); coding-DNA position 204, C replaced by G.
Protein change: p.Phe68Leu; replaces phenylalanine 68 with leucine.
Molecular consequence: missense variant.
Genome position (GRCh38, 1-based): chr22:49,913,476, G>C on the plus strand (C>G on the coding strand, the complement: ALG12 is on the minus strand). VCF-style: chr22-49913476-G-C. GRCh37 (hg19) VCF-style: chr22-50307124-G-C.
Other names: short protein forms F68L.
Identifiers: ClinVar variation 1505684 (VCV001505684.8), dbSNP rs2060591785, ClinGen allele CA412079976.

ClinVar aggregate classification (germline): Uncertain significance (1 of 4 stars; one submission).

Conditions:
ALG12-congenital disorder of glycosylation (CDG1G). Also called: Congenital disorder of glycosylation, type Ig; ALG12-CDG; CDG Ig. Identifiers: Orphanet 79324, MedGen C2931001, MONDO:0011783, OMIM 607143.

gnomAD v4.1: 2 of 1,613,998 alleles (0.00012%); highest among the groups gnomAD compares: Non-Finnish European, 0.000085%; no homozygotes.

Submission:

Labcorp Genetics (formerly Invitae), Labcorp
Classification: Uncertain significance for ALG12-congenital disorder of glycosylation. Last evaluated: 2024-06-03. Review status: criteria provided, single submitter. Criteria: Invitae Variant Classification Sherloc (09022015). Collection method: clinical testing. Allele origin: germline.
Comment: This sequence change replaces phenylalanine, which is neutral and non-polar, with leucine, which is neutral and non-polar, at codon 68 of the ALG12 protein (p.Phe68Leu). This variant is not present in population databases (gnomAD no frequency). This variant has not been reported in the literature in individuals affected with ALG12-related conditions. ClinVar contains an entry for this variant (Variation ID: 1505684). Advanced modeling of protein sequence and biophysical properties (such as structural, functional, and spatial information, amino acid conservation, physicochemical variation, residue mobility, and thermodynamic stability) performed at Invitae indicates that this missense variant is expected to disrupt ALG12 protein function with a positive predictive value of 80%. In summary, the available evidence is currently insufficient to determine the role of this variant in disease. Therefore, it has been classified as a Variant of Uncertain Significance.